The following is an entry in ClinVar:

ClinVar aggregate classification (germline): Uncertain significance (1 of 4 stars; one submission).

Conditions:
Renal hypodysplasia/aplasia 3 (RHDA3). Identifiers: MedGen C4540497, MONDO:0024520, OMIM 617805.

Submission:

3billion
Classification: Uncertain significance for Renal hypodysplasia/aplasia 3. Last evaluated: 2025-07-28. Review status: criteria provided, single submitter. Criteria: ACMG Guidelines, 2015. Collection method: clinical testing. Allele origin: germline. Affected: yes.
Comment: The variant is not observed in the gnomAD v4.1.0 dataset. Predicted Consequence/Location: Missense variant Damaging effect on gene or gene product predicted by in silico programs is uncertain [REVEL: 0.46 (damaging >=0.6, benign <0.4), 3Cnet: 0.38 (damaging >0.75, benign <0.1)]. Therefore, this variant is classified as VUS according to the recommendation of ACMG/AMP guideline.

NM_001142966.3(GREB1L):c.3155A>T (p.Lys1052Met)

Gene: GREB1L (GREB1 like retinoic acid receptor coactivator; plus strand). Cytogenetic location: 18q11.1.
Variant type: single nucleotide variant.
Coding change: c.3155A>T on transcript NM_001142966.3 (MANE Select); coding-DNA position 3155, A replaced by T.
Protein change: p.Lys1052Met; replaces lysine 1052 with methionine.
Molecular consequence: missense variant.
Genome position (GRCh38, 1-based): chr18:21,496,462, A>T. VCF-style: chr18-21496462-A-T. GRCh37 (hg19) VCF-style: chr18-19076423-A-T.
Other names: c.3284A>T, p.Lys1095Met (NM_001410867.1); c.2828A>T, p.Lys943Met (NM_001410868.1); short protein forms K1052M, K1095M, K943M.
Identifiers: ClinVar variation 4855807 (VCV004855807.1).
Genomic context (GRCh38, chr18:21,496,462, plus strand): 5'-ACTGCGTGCCTGGCCAGATAGACTCACCAACAACACAATTACTTTTGTTCAGGTCTTTGA[A>T]GTACTGTGACCTCCGGTTAATTGACTCAAGCTATTTAACTCGCACGGCCTTGGAGCAGGA-3'
Protein context (NP_001136438.1, residues 1042-1062): PLGETFPRSL[Lys1052Met]YCDLRLIDSS